The following is an entry in ClinVar:

ClinVar aggregate classification (germline): Benign (0 of 4 stars; one submission).

Conditions:
ZPBP-related disorder. Also called: ZPBP-related condition.

Allele frequency attached by ClinVar (database versions not stated): 1000 Genomes Project 30x 0.01608; 1000 Genomes Project 0.01737; TOPMed 0.02950; gnomAD 0.03064; ExAC 0.03177; ESP Exome Variant Server 0.03452; gnomAD exomes 0.03715.
gnomAD v4.1: 58,843 of 1,613,794 alleles (3.6%); highest among the groups gnomAD compares: Middle Eastern, 4.4%; 1,214 homozygotes.

Submission:

PreventionGenetics, part of Exact Sciences
Classification: Benign for ZPBP-related condition. Last evaluated: 2020-02-18. Review status: no assertion criteria provided. Collection method: clinical testing. Allele origin: germline.
Comment: This variant is classified as benign based on ACMG/AMP sequence variant interpretation guidelines (Richards et al. 2015 PMID: 25741868, with internal and published modifications).

NM_007009.3(ZPBP):c.375T>C (p.Leu125=)

Gene: ZPBP (zona pellucida binding protein; minus strand). Cytogenetic location: 7p12.2.
Variant type: single nucleotide variant.
Coding change: c.375T>C on transcript NM_007009.3 (MANE Select); coding-DNA position 375, T replaced by C.
Protein change: p.Leu125=; no amino-acid change (leucine 125 retained).
Molecular consequence: synonymous variant.
Genome position (GRCh38, 1-based): chr7:50,058,101, A>G on the plus strand (T>C on the coding strand, the complement: ZPBP is on the minus strand). VCF-style: chr7-50058101-A-G. GRCh37 (hg19) VCF-style: chr7-50097697-A-G.
Other names: c.372T>C, p.Leu124= (NM_001159878.2).
Identifiers: ClinVar variation 3037675 (VCV003037675.2), dbSNP rs76027725, ClinGen allele CA4260839.